The following is an entry in ClinVar:

ClinVar aggregate classification (germline): Uncertain significance. Review status: criteria provided, multiple submitters, no conflicts (2 of 4 stars). 2 submissions from 2 submitters: Uncertain significance (2). Last evaluated 2025-12-20.

Allele frequency attached by ClinVar (database versions not stated): ExAC 0.00005; TOPMed 0.00016; ESP Exome Variant Server 0.00025; gnomAD exomes 0.00015; gnomAD 0.00019.
gnomAD v4.1: 247 of 1,612,556 alleles (0.015%); highest among the groups gnomAD compares: Non-Finnish European, 0.02%; no homozygotes.

Submissions (2):

GeneDx
Classification: Uncertain significance. Last evaluated: 2025-12-20. Review status: criteria provided, single submitter. Criteria: GeneDx Variant Classification Process June 2021. Collection method: clinical testing. Allele origin: germline. Affected: yes.
Comment: In silico analysis suggests that this missense variant does not alter protein structure/function; Has not been previously published as pathogenic or benign to our knowledge

Ambry Genetics
Classification: Uncertain significance. Last evaluated: 2024-01-02. Review status: criteria provided, single submitter. Criteria: Ambry Variant Classification Scheme 2023. Collection method: clinical testing. Allele origin: germline.

NM_001384125.1(BLTP1):c.8423T>G (p.Phe2808Cys)

Gene: BLTP1 (bridge-like lipid transfer protein family member 1; plus strand). Cytogenetic location: 4q27.
Variant type: single nucleotide variant.
Coding change: c.8423T>G on transcript NM_001384125.1 (MANE Select); coding-DNA position 8423, T replaced by G.
Protein change: p.Phe2808Cys; replaces phenylalanine 2808 with cysteine.
Molecular consequence: missense variant.
Genome position (GRCh38, 1-based): chr4:122,272,382, T>G. VCF-style: chr4-122272382-T-G. GRCh37 (hg19) VCF-style: chr4-123193537-T-G.
Other names: c.8423T>G, p.Phe2808Cys (NM_015312.4); short protein forms F2808C.
Identifiers: ClinVar variation 2507103 (VCV002507103.3), dbSNP rs370801689, ClinGen allele CA3067152.